The following is an entry in ClinVar:

ClinVar aggregate classification (germline): Conflicting classifications of pathogenicity. Review status: criteria provided, conflicting classifications (1 of 4 stars). 2 submissions from 2 submitters: Uncertain significance (1); Likely benign (1). Last evaluated 2026-01-06.

Conditions:
Inborn genetic diseases. Identifiers: MedGen C0950123, MeSH D030342.
Glutamate formiminotransferase deficiency. Also called: Formiminoglutamic aciduria; Arakawa syndrome 1. Identifiers: Orphanet 51208, MedGen C0268609, MONDO:0009240, OMIM 229100.

Submissions (2):

Ambry Genetics
Classification: Likely benign for Inborn genetic diseases. Last evaluated: 2026-01-06. Review status: criteria provided, single submitter. Criteria: Ambry Variant Classification Scheme 2023. Collection method: clinical testing. Allele origin: germline.

Labcorp Genetics (formerly Invitae), Labcorp
Classification: Uncertain significance for Glutamate formiminotransferase deficiency. Last evaluated: 2025-12-16. Review status: criteria provided, single submitter. Criteria: Invitae Variant Classification Sherloc (09022015). Collection method: clinical testing. Allele origin: germline.
Comment: This sequence change replaces alanine, which is neutral and non-polar, with valine, which is neutral and non-polar, at codon 464 of the FTCD protein (p.Ala464Val). This variant is present in population databases (no rsID available, gnomAD 0.02%). This variant has not been reported in the literature in individuals affected with FTCD-related conditions. ClinVar contains an entry for this variant (Variation ID: 1443575). An algorithm developed to predict the effect of missense changes on protein structure and function (PolyPhen-2) suggests that this variant is likely to be tolerated. In summary, the available evidence is currently insufficient to determine the role of this variant in disease. Therefore, it has been classified as a Variant of Uncertain Significance.

NM_206965.2(FTCD):c.1391_1392delinsTG (p.Ala464Val)

Gene: FTCD (formimidoyltransferase cyclodeaminase; minus strand). Cytogenetic location: 21q22.3.
Variant type: Indel.
Coding change: c.1391_1392delinsTG on transcript NM_206965.2 (MANE Select); coding-DNA positions 1391 to 1392, CC replaced by TG.
Protein change: p.Ala464Val; replaces alanine 464 with valine.
Molecular consequence: missense variant.
Genome position (GRCh38, 1-based): chr21:46,138,559-46,138,560, GG replaced by CA on the plus strand (CC replaced by TG on the coding strand, the reverse complement: FTCD is on the minus strand). VCF-style: chr21-46138559-GG-CA. GRCh37 (hg19) VCF-style: chr21-47558473-GG-CA.
Other names: c.1391_1392delCCinsTG (NM_006657.2); c.1391_1392delinsTG, p.Ala464Val (NM_001320412.2, NM_006657.3); short protein forms A464V.
Identifiers: ClinVar variation 1443575 (VCV001443575.8), dbSNP rs2123481486, ClinGen allele CA2573157738.